The following is an entry in ClinVar:

NM_005560.6(LAMA5):c.10271G>A (p.Arg3424His)

Gene: LAMA5 (laminin subunit alpha 5; minus strand). Cytogenetic location: 20q13.33.
Variant type: single nucleotide variant.
Coding change: c.10271G>A on transcript NM_005560.6 (MANE Select); coding-DNA position 10271, G replaced by A.
Protein change: p.Arg3424His; replaces arginine 3424 with histidine.
Molecular consequence: missense variant.
Genome position (GRCh38, 1-based): chr20:62,310,912, C>T on the plus strand (G>A on the coding strand, the complement: LAMA5 is on the minus strand). VCF-style: chr20-62310912-C-T. GRCh37 (hg19) VCF-style: chr20-60885968-C-T.
Other names: short protein forms R3424H.
Identifiers: ClinVar variation 5003089 (VCV005003089.1).

ClinVar aggregate classification (germline): Uncertain significance (1 of 4 stars; one submission).

Conditions:
Nephrotic syndrome, IIa 26. Also called: Nephrotic syndrome, type 26. Identifiers: MedGen C5774221, MONDO:0031061, OMIM 620049.

gnomAD v4.1: 52 of 1,609,978 alleles (0.0032%); highest among the groups gnomAD compares: Admixed American, 0.0084%; no homozygotes.

Submission:

OLLIN Analises Genomicas, OLLIN
Classification: Uncertain significance for Nephrotic syndrome, IIa 26. Last evaluated: 2026-08-06. Review status: criteria provided, single submitter. Criteria: ACMG Guidelines 2015 PMID 25741868. Collection method: clinical testing. Allele origin: germline. Inheritance: Autosomal recessive inheritance.
Comment: This missense variant, located in exon 74 (of 80), has been observed in gnomAD with an allele frequency of 0.0032%, but has not been reported in ClinVar or identified in the literature. In silico analysis predicts that this variant has a tolerated effect. According to the currently available evidence, this variant has been classified as uncertain significance (PM2_P, BP4_P).